The following is an entry in ClinVar:

NM_032383.5(HPS3):c.1159A>G (p.Thr387Ala)

Gene: HPS3 (HPS3 biogenesis of lysosomal organelles complex 2 subunit 1; plus strand). Cytogenetic location: 3q24.
Variant type: single nucleotide variant.
Coding change: c.1159A>G on transcript NM_032383.5 (MANE Select); coding-DNA position 1159, A replaced by G.
Protein change: p.Thr387Ala; replaces threonine 387 with alanine.
Molecular consequence: missense variant.
Genome position (GRCh38, 1-based): chr3:149,145,542, A>G. VCF-style: chr3-149145542-A-G. GRCh37 (hg19) VCF-style: chr3-148863329-A-G.
Other names: c.664A>G, p.Thr222Ala (NM_001308258.2); short protein forms T222A, T387A.
Identifiers: ClinVar variation 2142815 (VCV002142815.1), dbSNP rs771171459, ClinGen allele CA2660008.
Genomic context (GRCh38, chr3:149,145,542, plus strand): 5'-TACCAGTATCCTGAAAAGTCTCAGCAGGCAGTACTCACGCCACAATTTTTGCACGTCATT[A>G]CAAGGTACTGTTAGAGGGTCACTTGCTGGCCTGTGAGTCACTTATTTGTAAATTTTTGAG-3'
Protein context (NP_115759.2, residues 377-397): VLTPQFLHVI[Thr387Ala]SNNLQCFTVR

ClinVar aggregate classification (germline): Uncertain significance (1 of 4 stars; one submission).

Allele frequency attached by ClinVar (database versions not stated): gnomAD exomes 0.00001.
gnomAD v4.1: 16 of 1,613,426 alleles (0.00099%); highest among the groups gnomAD compares: Admixed American, 0.017%; no homozygotes.

Submission:

Labcorp Genetics (formerly Invitae), Labcorp
Classification: Uncertain significance. Last evaluated: 2022-03-19. Review status: criteria provided, single submitter. Criteria: Invitae Variant Classification Sherloc (09022015). Collection method: clinical testing. Allele origin: germline.
Comment: This sequence change replaces threonine, which is neutral and polar, with alanine, which is neutral and non-polar, at codon 387 of the HPS3 protein (p.Thr387Ala). This variant is present in population databases (rs771171459, gnomAD 0.03%). This variant has not been reported in the literature in individuals affected with HPS3-related conditions. Algorithms developed to predict the effect of missense changes on protein structure and function output the following: SIFT: "Tolerated"; PolyPhen-2: "Probably Damaging"; Align-GVGD: "Class C0". The alanine amino acid residue is found in multiple mammalian species, which suggests that this missense change does not adversely affect protein function. In summary, the available evidence is currently insufficient to determine the role of this variant in disease. Therefore, it has been classified as a Variant of Uncertain Significance.